The following is an entry in ClinVar:

ClinVar aggregate classification (germline): Uncertain significance. Review status: criteria provided, multiple submitters, no conflicts (2 of 4 stars). 2 submissions from 2 submitters: Uncertain significance (2). Last evaluated 2025-08-10.

Conditions:
Idiopathic generalized epilepsy. Also called: Generalised epilepsy; EIG. Identifiers: MedGen C0270850, MONDO:0005579, OMIM 600669.
Hyperaldosteronism, familial, type IV (HALD4). Also called: FH IV; ALDOSTERONISM, PRIMARY, AND HYPERTENSION. Identifiers: Orphanet 642671, MedGen C4310756, MONDO:0014875, OMIM 617027.
Inborn genetic diseases. Identifiers: MedGen C0950123, MeSH D030342.

Allele frequency attached by ClinVar (database versions not stated): ExAC below 0.00001; TOPMed below 0.00001; gnomAD 0.00001; ESP Exome Variant Server 0.00008.
gnomAD v4.1: 26 of 1,341,544 alleles (0.0019%); highest among the groups gnomAD compares: African/African-American, 0.003%; no homozygotes.

Submissions (2):

Ambry Genetics
Classification: Uncertain significance for Inborn genetic diseases. Last evaluated: 2025-08-10. Review status: criteria provided, single submitter. Criteria: Ambry Variant Classification Scheme 2023. Collection method: clinical testing. Allele origin: germline.

Labcorp Genetics (formerly Invitae), Labcorp
Classification: Uncertain significance for Idiopathic generalized epilepsy; Hyperaldosteronism, familial, type IV. Last evaluated: 2022-07-26. Review status: criteria provided, single submitter. Criteria: Invitae Variant Classification Sherloc (09022015). Collection method: clinical testing. Allele origin: germline.
Comment: This variant has not been reported in the literature in individuals affected with CACNA1H-related conditions. In summary, the available evidence is currently insufficient to determine the role of this variant in disease. Therefore, it has been classified as a Variant of Uncertain Significance. Advanced modeling of protein sequence and biophysical properties (such as structural, functional, and spatial information, amino acid conservation, physicochemical variation, residue mobility, and thermodynamic stability) performed at Invitae indicates that this missense variant is not expected to disrupt CACNA1H protein function. ClinVar contains an entry for this variant (Variation ID: 1016094). This variant is not present in population databases (gnomAD no frequency). This sequence change replaces aspartic acid, which is acidic and polar, with asparagine, which is neutral and polar, at codon 2022 of the CACNA1H protein (p.Asp2022Asn).

NM_021098.3(CACNA1H):c.6064G>A (p.Asp2022Asn)

Gene: CACNA1H (calcium voltage-gated channel subunit alpha1 H; plus strand). Cytogenetic location: 16p13.3.
Variant type: single nucleotide variant.
Coding change: c.6064G>A on transcript NM_021098.3 (MANE Select); coding-DNA position 6064, G replaced by A.
Protein change: p.Asp2022Asn; replaces aspartic acid 2022 with asparagine.
Molecular consequence: missense variant.
Genome position (GRCh38, 1-based): chr16:1,219,996, G>A. VCF-style: chr16-1219996-G-A. GRCh37 (hg19) VCF-style: chr16-1269996-G-A.
Other names: c.6046G>A, p.Asp2016Asn (NM_001005407.2); c.6064G>A (NM_021098.2); short protein forms D2016N, D2022N.
Identifiers: ClinVar variation 1016094 (VCV001016094.11), dbSNP rs372375376, ClinGen allele CA7802231.